The following is an entry in ClinVar:

NM_017563.5(IL17RD):c.2204C>T (p.Ala735Val)

Gene: IL17RD (interleukin 17 receptor D; minus strand). Cytogenetic location: 3p14.3.
Variant type: single nucleotide variant.
Coding change: c.2204C>T on transcript NM_017563.5 (MANE Select); coding-DNA position 2204, C replaced by T.
Protein change: p.Ala735Val; replaces alanine 735 with valine.
Molecular consequence: missense variant.
Genome position (GRCh38, 1-based): chr3:57,096,409, G>A on the plus strand (C>T on the coding strand, the complement: IL17RD is on the minus strand). VCF-style: chr3-57096409-G-A. GRCh37 (hg19) VCF-style: chr3-57130437-G-A.
Other names: c.1772C>T, p.Ala591Val (NM_001318864.2); c.2204C>T (NM_017563.4); short protein forms A735V, A591V.
Identifiers: ClinVar variation 50869 (VCV000050869.3), dbSNP rs587776979, ClinGen allele CA143830.
Genomic context (GRCh38, chr3:57,096,409, plus strand): 5'-GGAGGCAGCAGCTAAAGTGGCAATGCTTAGACTCTTTCGTTTTGTTACAAAGGGGCGACC[G>A]CGTGGAGTTCATCAGTGTAGCTGCGGCAACCAAGATCTGCTTTGCATGACCCAGAAGAGA-3'
Protein context (NP_060033.3, residues 725-739): GCRSYTDELH[Ala735Val]VAPL

ClinVar aggregate classification (germline): Uncertain significance; risk factor. Review status: no assertion criteria provided (0 of 4 stars). 2 submissions from 2 submitters: Uncertain significance (1). Last evaluated 2024-02-09.

Conditions:
IL17RD-related disorder. Also called: IL17RD-related condition.
HYPOGONADOTROPIC HYPOGONADISM 18 WITH ANOSMIA, SUSCEPTIBILITY TO.

Allele frequency attached by ClinVar (database versions not stated): TOPMed 0.00001; gnomAD 0.00003; gnomAD exomes 0.00004 and 0.00005; ExAC 0.00007.
gnomAD v4.1: 70 of 1,612,732 alleles (0.0043%); highest among the groups gnomAD compares: Non-Finnish European, 0.0053%; no homozygotes.

Submissions (2):

PreventionGenetics, part of Exact Sciences
Classification: Uncertain significance for IL17RD-related condition. Last evaluated: 2024-02-09. Review status: no assertion criteria provided. Collection method: clinical testing. Allele origin: germline.
Comment: The IL17RD c.2204C>T variant is predicted to result in the amino acid substitution p.Ala735Val. This variant has been reported in an individual with Kallmann syndrome who also carries a KISS1R variant (Miraoui et al 2013. PubMed ID: 23643382). This variant is reported in 0.0099% of alleles in individuals of Ashkenazi Jewish descent in gnomAD. At this time, the clinical significance of this variant is uncertain due to the absence of conclusive functional and genetic evidence.

OMIM
Classification: risk factor for HYPOGONADOTROPIC HYPOGONADISM 18 WITH ANOSMIA, SUSCEPTIBILITY TO. Last evaluated: 2013-05-02. Review status: no assertion criteria provided. Collection method: literature only. Allele origin: germline.

Literature cited by the submitters: PubMed 23643382 (cited by OMIM).